The following is an entry in ClinVar:

ClinVar aggregate classification (germline): Likely benign (1 of 4 stars; one submission).

Conditions:
Age related macular degeneration 4. Identifiers: MedGen C1853147, MONDO:0012540, OMIM 610698.
Atypical hemolytic-uremic syndrome. Identifiers: Orphanet 2134, MedGen C2931788, MONDO:0016244.
Basal laminar drusen. Also called: DRUSEN OF BRUCH MEMBRANE; DRUSEN, CUTICULAR; DRUSEN, EARLY ADULT-ONSET, GROUPED. Identifiers: Orphanet 75376, MedGen C0730295, MONDO:0007472, OMIM 126700.
Factor H deficiency (CFHD). Also called: COMPLEMENT FACTOR H DEFICIENCY; CFH DEFICIENCY. Identifiers: Orphanet 200421, MedGen C0398777, MONDO:0012350, OMIM 609814.

gnomAD v4.1: 38 of 152,268 alleles (0.025%); highest among the groups gnomAD compares: Non-Finnish European, 0.043%; no homozygotes.

Submission:

Genomenon, Inc
Classification: Likely benign for Age related macular degeneration 4; Atypical hemolytic-uremic syndrome; Factor H deficiency; Basal laminar drusen. Last evaluated: 2026-09-17. Review status: criteria provided, single submitter. Criteria: Genomenon Sequence Variant Interpretation Standards - Updated. Collection method: curation. Allele origin: germline. Affected: no.
Comment: CFH c.3494-405A>G is an intronic variant located in intron 21. This variant has been reported in the published literature (PMID: 39766771). This variant is not predicted to impact splicing. In conclusion, we classify CFH c.3494-405A>G as a likely benign variant.

Literature cited by the submitters: PubMed 39766771.

NM_000186.4(CFH):c.3494-405A>G

Gene: CFH (complement factor H; plus strand). Cytogenetic location: 1q31.3.
Variant type: single nucleotide variant.
Coding change: c.3494-405A>G on transcript NM_000186.4 (MANE Select); 405 bases into the intron before coding-DNA position 3494, A replaced by G.
Molecular consequence: intron variant.
Genome position (GRCh38, 1-based): chr1:196,746,706, A>G. VCF-style: chr1-196746706-A-G. GRCh37 (hg19) VCF-style: chr1-196715836-A-G.
Identifiers: ClinVar variation 4976856 (VCV004976856.1).